The following is an entry in ClinVar:

ClinVar aggregate classification (germline): Uncertain significance (1 of 4 stars; one submission).

gnomAD v4.1: 1 of 1,482,988 alleles (0.000067%); no homozygotes.

Submission:

Labcorp Genetics (formerly Invitae), Labcorp
Classification: Uncertain significance. Last evaluated: 2021-08-28. Review status: criteria provided, single submitter. Criteria: Invitae Variant Classification Sherloc (09022015). Collection method: clinical testing. Allele origin: germline.
Comment: This sequence change replaces asparagine with aspartic acid at codon 1202 of the CCDC88A protein (p.Asn1202Asp). The asparagine residue is moderately conserved and there is a small physicochemical difference between asparagine and aspartic acid. This variant is not present in population databases (ExAC no frequency). This variant has not been reported in the literature in individuals affected with CCDC88A-related conditions. Algorithms developed to predict the effect of missense changes on protein structure and function (SIFT, PolyPhen-2, Align-GVGD) all suggest that this variant is likely to be tolerated. In summary, the available evidence is currently insufficient to determine the role of this variant in disease. Therefore, it has been classified as a Variant of Uncertain Significance.

NM_001365480.1(CCDC88A):c.3607A>G (p.Asn1203Asp)

Gene: CCDC88A (coiled-coil domain containing 88A; minus strand). Cytogenetic location: 2p16.1.
Variant type: single nucleotide variant.
Coding change: c.3607A>G on transcript NM_001365480.1 (MANE Select); coding-DNA position 3607, A replaced by G.
Protein change: p.Asn1203Asp; replaces asparagine 1203 with aspartic acid.
Molecular consequence: missense variant.
Genome position (GRCh38, 1-based): chr2:55,317,345, T>C on the plus strand (A>G on the coding strand, the complement: CCDC88A is on the minus strand). VCF-style: chr2-55317345-T-C. GRCh37 (hg19) VCF-style: chr2-55544481-T-C.
Other names: c.3604A>G, p.Asn1202Asp (NM_001135597.2, NM_001254943.2); c.3607A>G, p.Asn1203Asp (NM_018084.5); short protein forms N1203D, N1202D.
Identifiers: ClinVar variation 1428395 (VCV001428395.5), dbSNP rs1190480318, ClinGen allele CA346890705.